The following is an entry in ClinVar:

ClinVar aggregate classification (germline): Uncertain significance (1 of 4 stars; one submission).

Conditions:
Ornithine aminotransferase deficiency (GACR). Also called: Ornithine ketoacid aminotransferase deficiency; Gyrate atrophy; Gyrate atrophy of choroid and retina; Girate atrophy of the retina; HYPERORNITHINEMIA WITH GYRATE ATROPHY OF CHOROID AND RETINA; OAT DEFICIENCY. Identifiers: Orphanet 414, MedGen C0018425, MONDO:0009796, OMIM 258870.

Submission:

Labcorp Genetics (formerly Invitae), Labcorp
Classification: Uncertain significance for Ornithine aminotransferase deficiency. Last evaluated: 2025-06-17. Review status: criteria provided, single submitter. Criteria: Invitae Variant Classification Sherloc (09022015). Collection method: clinical testing. Allele origin: germline.
Comment: This sequence change replaces asparagine, which is neutral and polar, with serine, which is neutral and polar, at codon 89 of the OAT protein (p.Asn89Ser). This variant is present in population databases (rs534823058, gnomAD 0.01%). This variant has not been reported in the literature in individuals affected with OAT-related conditions. Invitae Evidence Modeling of protein sequence and biophysical properties (such as structural, functional, and spatial information, amino acid conservation, physicochemical variation, residue mobility, and thermodynamic stability) indicates that this missense variant is not expected to disrupt OAT protein function with a negative predictive value of 80%. In summary, the available evidence is currently insufficient to determine the role of this variant in disease. Therefore, it has been classified as a Variant of Uncertain Significance.

NM_000274.4(OAT):c.266A>G (p.Asn89Ser)

Gene: OAT (ornithine aminotransferase; minus strand). Cytogenetic location: 10q26.13.
Variant type: single nucleotide variant.
Coding change: c.266A>G on transcript NM_000274.4 (MANE Select); coding-DNA position 266, A replaced by G.
Protein change: p.Asn89Ser; replaces asparagine 89 with serine.
Molecular consequence: missense variant. On other transcripts: 5 prime UTR variant (2), intron variant (1).
Genome position (GRCh38, 1-based): chr10:124,408,899, T>C on the plus strand (A>G on the coding strand, the complement: OAT is on the minus strand). VCF-style: chr10-124408899-T-C. GRCh37 (hg19) VCF-style: chr10-126097468-T-C.
Other names: c.-149A>G (NM_001171814.2); c.266A>G, p.Asn89Ser (NM_001322965.2, NM_001322966.2, NM_001322967.2 and 3 more transcripts); c.-449A>G (NM_001322974.2); c.199+3074A>G (NM_001322971.2); short protein forms N89S.
Identifiers: ClinVar variation 4707170 (VCV004707170.1).